The following is an entry in ClinVar:

ClinVar aggregate classification (germline): Uncertain significance (1 of 4 stars; one submission).

Conditions:
Infantile-onset ascending hereditary spastic paralysis (IAHSP). Also called: Autosomal Recessive Juvenile Amyotrophic Lateral Sclerosis; Infantile-Onset Ascending Hereditary Spastic Paralysis (IAHSP). Identifiers: Orphanet 293168, MedGen C2931441, MONDO:0011797, OMIM 607225. Disease mechanism: loss of function.

Submission:

Labcorp Genetics (formerly Invitae), Labcorp
Classification: Uncertain significance for Infantile-onset ascending hereditary spastic paralysis. Last evaluated: 2017-03-10. Review status: criteria provided, single submitter. Criteria: Invitae Variant Classification Sherloc (09022015). Collection method: clinical testing. Allele origin: germline.
Comment: This sequence change falls in intron 13 of the ALS2 gene. It does not directly change the encoded amino acid sequence of the ALS2 protein. This variant is not present in population databases (ExAC no frequency) and has not been reported in the literature in individuals with a ALS2-related disease. Algorithms developed to predict the effect of sequence changes on RNA splicing suggest that this variant may alter RNA splicing, but this prediction has not been confirmed by published transcriptional studies. In summary, this is a novel intronic change with uncertain impact on splicing. It has been classified as a Variant of Uncertain Significance.

NM_020919.4(ALS2):c.2581-5T>A

Gene: ALS2 (alsin Rho guanine nucleotide exchange factor ALS2; minus strand). Cytogenetic location: 2q33.1.
Variant type: single nucleotide variant.
Coding change: c.2581-5T>A on transcript NM_020919.4 (MANE Select); 5 bases into the intron before coding-DNA position 2581, T replaced by A.
Molecular consequence: intron variant.
Genome position (GRCh38, 1-based): chr2:201,729,188, A>T on the plus strand (T>A on the coding strand, the complement: ALS2 is on the minus strand). VCF-style: chr2-201729188-A-T. GRCh37 (hg19) VCF-style: chr2-202593911-A-T.
Identifiers: ClinVar variation 465187 (VCV000465187.1), dbSNP rs1171928153, ClinGen allele CA658657198.